The following is an entry in ClinVar:

NM_018979.4(WNK1):c.361C>T (p.Arg121Trp)

Gene: WNK1 (WNK lysine deficient protein kinase 1; plus strand). Cytogenetic location: 12p13.33.
Variant type: single nucleotide variant.
Coding change: c.361C>T on transcript NM_018979.4 (MANE Select); coding-DNA position 361, C replaced by T.
Protein change: p.Arg121Trp; replaces arginine 121 with tryptophan.
Molecular consequence: missense variant.
Genome position (GRCh38, 1-based): chr12:753,926, C>T. VCF-style: chr12-753926-C-T. GRCh37 (hg19) VCF-style: chr12-863092-C-T.
Other names: c.361C>T, p.Arg121Trp (NM_001184985.2, NM_014823.3, NM_213655.5); short protein forms R121W.
Identifiers: ClinVar variation 1018188 (VCV001018188.8), dbSNP rs763388743, ClinGen allele CA6381766.

ClinVar aggregate classification (germline): Uncertain significance (1 of 4 stars; one submission).

Conditions:
Pseudohypoaldosteronism type 2C (PHA2C). Also called: Pseudohypoaldosteronism Type IIC. Identifiers: Orphanet 757, Orphanet 88940, MedGen C1840391, MONDO:0013778, OMIM 614492.
Neuropathy, hereditary sensory and autonomic, type 2A (HSAN2A). Also called: ACROOSTEOLYSIS, GIACCAI TYPE; ACROOSTEOLYSIS, NEUROGENIC; MORVAN DISEASE; NEUROPATHY, CONGENITAL SENSORY; NEUROPATHY, HEREDITARY SENSORY RADICULAR, AUTOSOMAL RECESSIVE; NEUROPATHY, HEREDITARY SENSORY, TYPE IIA. Identifiers: Orphanet 970, MedGen C2752089, MONDO:0024309, OMIM 201300.

Allele frequency attached by ClinVar (database versions not stated): gnomAD exomes below 0.00001 and 0.00001; ExAC 0.00001.
gnomAD v4.1: 3 of 1,606,430 alleles (0.00019%); highest among the groups gnomAD compares: South Asian, 0.0022%; no homozygotes.

Submission:

Labcorp Genetics (formerly Invitae), Labcorp
Classification: Uncertain significance for Neuropathy, hereditary sensory and autonomic, type 2A; Pseudohypoaldosteronism type 2C. Last evaluated: 2020-09-26. Review status: criteria provided, single submitter. Criteria: Invitae Variant Classification Sherloc (09022015). Collection method: clinical testing. Allele origin: germline.
Comment: In summary, the available evidence is currently insufficient to determine the role of this variant in disease. Therefore, it has been classified as a Variant of Uncertain Significance. Advanced modeling of protein sequence and biophysical properties (such as structural, functional, and spatial information, amino acid conservation, physicochemical variation, residue mobility, and thermodynamic stability) performed at Invitae indicates that this missense variant is not expected to disrupt WNK1 protein function. This sequence change replaces arginine with tryptophan at codon 121 of the WNK1 protein (p.Arg121Trp). The arginine residue is highly conserved and there is a moderate physicochemical difference between arginine and tryptophan. This variant is present in population databases (rs763388743, ExAC 0.007%). This variant has not been reported in the literature in individuals with WNK1-related conditions.